The following is an entry in ClinVar:

NM_000392.5(ABCC2):c.650A>C (p.Tyr217Ser)

Gene: ABCC2 (ATP binding cassette subfamily C member 2; plus strand). Cytogenetic location: 10q24.2.
Variant type: single nucleotide variant.
Coding change: c.650A>C on transcript NM_000392.5 (MANE Select); coding-DNA position 650, A replaced by C.
Protein change: p.Tyr217Ser; replaces tyrosine 217 with serine.
Molecular consequence: missense variant.
Genome position (GRCh38, 1-based): chr10:99,797,114, A>C. VCF-style: chr10-99797114-A-C. GRCh37 (hg19) VCF-style: chr10-101556871-A-C.
Other names: c.650A>C (NM_000392.3, NM_000392.4); c.650A>C, p.Tyr217Ser (LRG_1208t1); short protein forms Y217S.
Identifiers: ClinVar variation 291150 (VCV000291150.8), dbSNP rs202129492, ClinGen allele CA5642966.
Genomic context (GRCh38, chr10:99,797,114, plus strand): 5'-ACCCAGCCTGGGGGTCTCAGCCTGTGGTTCGCTCTTGTTCCAGCATCATTCTGAAAGGCT[A>C]CAAGCGTCCTCTGACACTCGAGGATGTCTGGGAAGTTGATGAAGAGATGAAAACCAAGAC-3'
Protein context (NP_000383.2, residues 207-227): SWYDSIILKG[Tyr217Ser]KRPLTLEDVW

ClinVar aggregate classification (germline): Uncertain significance. Review status: criteria provided, multiple submitters, no conflicts (2 of 4 stars). 3 submissions from 3 submitters: Uncertain significance (3). Last evaluated 2026-05-27.

Conditions:
Inborn genetic diseases. Identifiers: MedGen C0950123, MeSH D030342.
ABCC2-related disorder. Also called: ABCC2-related condition.

Allele frequency attached by ClinVar (database versions not stated): gnomAD 0.00001; TOPMed 0.00003; gnomAD exomes 0.00011; ExAC 0.00014; 1000 Genomes Project 30x 0.00016; 1000 Genomes Project 0.00020.
gnomAD v4.1: 36 of 1,614,138 alleles (0.0022%); highest among the groups gnomAD compares: Admixed American, 0.06%; 1 homozygote.

Submissions (3):

PreventionGenetics, part of Exact Sciences
Classification: Uncertain significance for ABCC2-related condition. Last evaluated: 2026-05-27. Review status: criteria provided, single submitter. Criteria: ACMG Guidelines, 2015. Collection method: clinical testing. Allele origin: germline.
Comment: The ABCC2 c.650A>C variant is predicted to result in the amino acid substitution p.Tyr217Ser. To our knowledge, this variant has not been reported in the literature. This variant is reported in 0.082% of alleles in individuals of Latino descent in gnomAD, which may be too frequent to be a primary cause of disease. Although we suspect that this variant may be benign, at this time, the clinical significance of this variant is uncertain due to the absence of conclusive functional and genetic evidence.

Ambry Genetics
Classification: Uncertain significance for Inborn genetic diseases. Last evaluated: 2023-09-29. Review status: criteria provided, single submitter. Criteria: Ambry Variant Classification Scheme 2023. Collection method: clinical testing. Allele origin: germline.

Eurofins Ntd Llc (ga)
Classification: Uncertain significance. Last evaluated: 2017-08-18. Review status: criteria provided, single submitter. Criteria: EGL Classification Definitions 2015. Collection method: clinical testing. Allele origin: germline. Observed: 2 variant alleles, 2 heterozygotes.